The following is an entry in ClinVar:

ClinVar aggregate classification (germline): Pathogenic. Review status: criteria provided, multiple submitters, no conflicts (2 of 4 stars). 2 submissions from 2 submitters: Pathogenic (2). Last evaluated 2025-04-23.

Conditions:
Hereditary cancer-predisposing syndrome. Also called: Neoplastic Syndromes, Hereditary; Tumor predisposition; Hereditary neoplastic syndrome; Hereditary Cancer Syndrome. Identifiers: Orphanet 140162, MedGen C0027672, MeSH D009386, MONDO:0015356.
Familial cancer of breast. Also called: BREAST CANCER, FAMILIAL; Hereditary breast cancer; hereditary breast carcinoma. Identifiers: Orphanet 227535, MedGen C0346153, MONDO:0016419, OMIM 114480. Disease mechanism: loss of function.

Submissions (2):

Ambry Genetics
Classification: Pathogenic for Hereditary cancer-predisposing syndrome. Last evaluated: 2025-04-23. Review status: criteria provided, single submitter. Criteria: Ambry Variant Classification Scheme 2023. Collection method: clinical testing. Allele origin: germline.
Comment: The c.1062_1063delCCinsTT pathogenic mutation (also known as p.Q355*), located in coding exon 7 of the ATM gene, results from an in-frame deletion of CC and insertion of TT at nucleotide positions 1062 to 1063. This changes the amino acid from a glutamine to a stop codon within coding exon 7. This alteration is expected to result in loss of function by premature protein truncation or nonsense-mediated mRNA decay. As such, this alteration is interpreted as a disease-causing mutation.

Myriad Genetics, Inc.
Classification: Pathogenic for Familial cancer of breast. Last evaluated: 2024-01-11. Review status: criteria provided, single submitter. Criteria: Myriad Autosomal Dominant, Autosomal Recessive and X-Linked Classification Criteria (2023). Collection method: clinical testing. Allele origin: unknown.
Comment: This variant is considered pathogenic. This variant creates a termination codon and is predicted to result in premature protein truncation.

NM_000051.4(ATM):c.1062_1063delinsTT (p.Gln355Ter)

Gene: ATM (ATM serine/threonine kinase; plus strand). Cytogenetic location: 11q22.3.
Variant type: Indel.
Coding change: c.1062_1063delinsTT on transcript NM_000051.4 (MANE Select); coding-DNA positions 1062 to 1063, CC replaced by TT.
Protein change: p.Gln355Ter; replaces glutamine 355 with a stop codon.
Molecular consequence: nonsense.
Genome position (GRCh38, 1-based): chr11:108,247,124-108,247,125, CC replaced by TT. VCF-style: chr11-108247124-CC-TT. GRCh37 (hg19) VCF-style: chr11-108117851-CC-TT.
Other names: c.1062_1063delinsTT, p.Gln355Ter (NM_001351834.2); short protein forms Q355*.
Identifiers: ClinVar variation 3148596 (VCV003148596.2), dbSNP rs2497183520, ClinGen allele CA2825001766.